The following is an entry in ClinVar:

NM_015443.4(KANSL1):c.1579A>G (p.Ile527Val)

Gene: KANSL1 (KAT8 regulatory NSL complex subunit 1). Cytogenetic location: 17q21.31.
Variant type: single nucleotide variant.
Coding change: c.1579A>G on transcript NM_015443.4 (MANE Select); coding-DNA position 1579, A replaced by G.
Protein change: p.Ile527Val; replaces isoleucine 527 with valine.
Molecular consequence: missense variant.
Genome position (GRCh38, 1-based): chr17:46,067,622, T>C on the plus strand (A>G on the coding strand, the complement: KANSL1 is on the minus strand). VCF-style: chr17-46067622-T-C. GRCh37 (hg19) VCF-style: chr17-44144988-T-C.
Other names: c.1579A>G, p.Ile527Val (NM_001193465.2, NM_001193466.2, NM_001379198.1 and 14 more transcripts); c.1477A>G, p.Ile493Val (NM_001405859.1, NM_001405860.1, NM_001405861.1 and 1 more transcripts); c.313A>G, p.Ile105Val (NM_001405882.1, NM_001405883.1, NM_001405884.1 and 1 more transcripts); short protein forms I105V, I527V, I493V.
Identifiers: ClinVar variation 2815266 (VCV002815266.3), dbSNP rs1300080423, ClinGen allele CA399987662.

ClinVar aggregate classification (germline): Uncertain significance (1 of 4 stars; one submission).

Conditions:
Koolen-de Vries syndrome (KDVS). Identifiers: Orphanet 96169, MedGen C1864871, MONDO:0012496, OMIM 610443.

Allele frequency attached by ClinVar (database versions not stated): gnomAD exomes below 0.00001; gnomAD 0.00001.
gnomAD v4.1: 2 of 1,606,704 alleles (0.00012%); highest among the groups gnomAD compares: Admixed American, 0.0017%; no homozygotes.

Submission:

Labcorp Genetics (formerly Invitae), Labcorp
Classification: Uncertain significance for Koolen-de Vries syndrome. Last evaluated: 2023-07-16. Review status: criteria provided, single submitter. Criteria: Invitae Variant Classification Sherloc (09022015). Collection method: clinical testing. Allele origin: germline.
Comment: In summary, the available evidence is currently insufficient to determine the role of this variant in disease. Therefore, it has been classified as a Variant of Uncertain Significance. Advanced modeling of protein sequence and biophysical properties (such as structural, functional, and spatial information, amino acid conservation, physicochemical variation, residue mobility, and thermodynamic stability) performed at Invitae indicates that this missense variant is not expected to disrupt KANSL1 protein function. This variant has not been reported in the literature in individuals affected with KANSL1-related conditions. The frequency data for this variant in the population databases is considered unreliable, as metrics indicate poor data quality at this position in the gnomAD database. This sequence change replaces isoleucine, which is neutral and non-polar, with valine, which is neutral and non-polar, at codon 527 of the KANSL1 protein (p.Ile527Val).